The following is an entry in ClinVar:

NM_014813.3(LRIG2):c.2280T>C (p.Asp760=)

Gene: LRIG2 (leucine rich repeats and immunoglobulin like domains 2; plus strand). Cytogenetic location: 1p13.2.
Variant type: single nucleotide variant.
Coding change: c.2280T>C on transcript NM_014813.3 (MANE Select); coding-DNA position 2280, T replaced by C.
Protein change: p.Asp760=; no amino-acid change (aspartic acid 760 retained).
Molecular consequence: synonymous variant.
Genome position (GRCh38, 1-based): chr1:113,114,626, T>C. VCF-style: chr1-113114626-T-C. GRCh37 (hg19) VCF-style: chr1-113657248-T-C.
Other names: c.1971T>C, p.Asp657= (NM_001312686.2).
Identifiers: ClinVar variation 3041045 (VCV003041045.2), dbSNP rs759266921, ClinGen allele CA1012201.
Genomic context (GRCh38, chr1:113,114,626, plus strand): 5'-ACGACATTTCTTTGCTGCAGCCAATCAGCTTCTCATCATTGTAGATGCCGGGCTAGAAGA[T>C]GCTGGGAAATATACCTGCATTATGTCTAACACCCTTGGGACAGAACGTGGCCACATTTAC-3'
Protein context (NP_055628.1, residues 750-770): LLIIVDAGLE[Asp760=]AGKYTCIMSN

ClinVar aggregate classification (germline): Likely benign (0 of 4 stars; one submission).

Conditions:
LRIG2-related disorder. Also called: LRIG2-related condition.

Allele frequency attached by ClinVar (database versions not stated): TOPMed below 0.00001; ExAC 0.00001; gnomAD 0.00001; gnomAD exomes 0.00001.

Submission:

PreventionGenetics, part of Exact Sciences
Classification: Likely benign for LRIG2-related condition. Last evaluated: 2019-09-19. Review status: no assertion criteria provided. Collection method: clinical testing. Allele origin: germline.
Comment: This variant is classified as likely benign based on ACMG/AMP sequence variant interpretation guidelines (Richards et al. 2015 PMID: 25741868, with internal and published modifications).